The following is an entry in ClinVar:

NM_004928.3(CFAP410):c.330C>T (p.Thr110=)

Gene: CFAP410 (cilia and flagella associated protein 410; minus strand). Cytogenetic location: 21q22.3.
Variant type: single nucleotide variant.
Coding change: c.330C>T on transcript NM_004928.3 (MANE Select); coding-DNA position 330, C replaced by T.
Protein change: p.Thr110=; no amino-acid change (threonine 110 retained).
Molecular consequence: synonymous variant.
Genome position (GRCh38, 1-based): chr21:44,333,076, G>A on the plus strand (C>T on the coding strand, the complement: CFAP410 is on the minus strand). VCF-style: chr21-44333076-G-A. GRCh37 (hg19) VCF-style: chr21-45752959-G-A.
Other names: c.330C>T, p.Thr110= (NM_001271440.2, NM_001271441.2); c.207C>T, p.Thr69= (NM_001271442.1); c.330C>T (NM_004928.2).
Identifiers: ClinVar variation 1093177 (VCV001093177.11), dbSNP rs766585233, ClinGen allele CA10053725.
Genomic context (GRCh38, chr21:44,333,076, plus strand): 5'-CCGCTGCGGCCACCTACCCTGGTTGTCCAGCTTCTGTAGGCGCGGCAGGGTGCGCAGCAC[G>A]GTCATGCGGTAGCGGTGGGGGCTGGTGCCGCAGCACGGGTTCTCGGCCAGCCACAGCACC-3'
Protein context (NP_004919.1, residues 100-120): CGTSPHRYRM[Thr110=]VLRTLPRLQK

ClinVar aggregate classification (germline): Likely benign. Review status: criteria provided, multiple submitters, no conflicts (2 of 4 stars). 3 submissions from 3 submitters: Likely benign (3). Last evaluated 2026-06-01.

Conditions:
CFAP410-related disorder. Also called: CFAP410-related condition.

Allele frequency attached by ClinVar (database versions not stated): gnomAD 0.00001; ExAC 0.00002; gnomAD exomes 0.00002; TOPMed 0.00005.

Submissions (3):

PreventionGenetics, part of Exact Sciences
Classification: Likely benign for CFAP410-related condition. Last evaluated: 2026-06-01. Review status: criteria provided, single submitter. Criteria: ACMG Guidelines, 2015. Collection method: clinical testing. Allele origin: germline.
Comment: This variant is classified as likely benign based on ACMG/AMP sequence variant interpretation guidelines (Richards et al. 2015 PMID: 25741868, with internal and published modifications).

Labcorp Genetics (formerly Invitae), Labcorp
Classification: Likely benign. Last evaluated: 2024-07-30. Review status: criteria provided, single submitter. Criteria: Invitae Variant Classification Sherloc (09022015). Collection method: clinical testing. Allele origin: germline.

Blueprint Genetics
Classification: Likely benign. Last evaluated: 2022-08-25. Review status: criteria provided, single submitter. Criteria: ACMG Guidelines, 2015. Collection method: clinical testing. Allele origin: germline.